The following is an entry in ClinVar:

ClinVar aggregate classification (germline): Conflicting classifications of pathogenicity. Review status: criteria provided, conflicting classifications (1 of 4 stars). 6 submissions from 6 submitters: Uncertain significance (5); Likely benign (1). Last evaluated 2026-04-09.

Conditions:
DSP-related disorder. Also called: DSP-related condition; DSP-related disorders.
Arrhythmogenic right ventricular dysplasia 8 (ARVD8). Also called: Arrhythmogenic Right Ventricular Dysplasia/Cardiomyopathy 8; ARRHYTHMOGENIC RIGHT VENTRICULAR DYSPLASIA, FAMILIAL, 8; ARRHYTHMOGENIC RIGHT VENTRICULAR CARDIOMYOPATHY 8. Identifiers: MedGen C1843896, MONDO:0011831, OMIM 607450.
Arrhythmogenic cardiomyopathy with wooly hair and keratoderma. Also called: PALMOPLANTAR KERATODERMA WITH LEFT VENTRICULAR CARDIOMYOPATHY AND WOOLLY HAIR; Carvajal syndrome; Dilated cardiomyopathy with woolly hair and keratoderma; Arrhythmogenic cardiomyopathy with woolly hair and keratoderma. Identifiers: Orphanet 65282, MedGen C1854063, MONDO:0011581, OMIM 605676.
Cardiovascular phenotype. Identifiers: MedGen CN230736.
Cardiomyopathy (CMYO). Also called: Cardiomyopathies. Identifiers: Orphanet 167848, MedGen C0878544, MONDO:0004994, HP:0001638. Inheritance: Various modes of inheritance.

Allele frequency attached by ClinVar (database versions not stated): gnomAD 0.00001; TOPMed 0.00001; ExAC 0.00002.
gnomAD v4.1: 27 of 1,613,952 alleles (0.0017%); highest among the groups gnomAD compares: Admixed American, 0.0067%; no homozygotes.

Submissions (6):

PreventionGenetics, part of Exact Sciences
Classification: Uncertain significance for DSP-related condition. Last evaluated: 2026-04-09. Review status: criteria provided, single submitter. Criteria: ACMG Guidelines, 2015. Collection method: clinical testing. Allele origin: germline.
Comment: The DSP c.3905G>A variant is predicted to result in the amino acid substitution p.Arg1302His. This variant has been reported as a variant of uncertain significance in a cohort of individuals referred for genetic testing of cardiomyopathy and/or arrhythmia; however, detailed clinical information was not available (Supplement 2, Dellefave-Castillo et al. 2022. PubMed ID: 35947370). This variant is reported in 0.014% of alleles in individuals of Latino descent in gnomAD. At this time, the clinical significance of this variant is uncertain due to the absence of conclusive functional and genetic evidence.

Labcorp Genetics (formerly Invitae), Labcorp
Classification: Likely benign for Arrhythmogenic cardiomyopathy with wooly hair and keratoderma; Arrhythmogenic right ventricular dysplasia 8. Last evaluated: 2024-11-24. Review status: criteria provided, single submitter. Criteria: Invitae Variant Classification Sherloc (09022015). Collection method: clinical testing. Allele origin: germline.

Color Diagnostics, LLC DBA Color Health
Classification: Uncertain significance for Cardiomyopathy. Last evaluated: 2024-11-05. Review status: criteria provided, single submitter. Criteria: ACMG Guidelines, 2015. Collection method: clinical testing. Allele origin: germline.
Comment: This missense variant replaces arginine with histidine at codon 1302 of the DSP protein. Computational prediction suggests that this variant may not impact protein structure and function. To our knowledge, functional studies have not been reported for this variant. This variant has not been reported in individuals affected with DSP-related disorders in the literature. This variant has been identified in 10/250814 chromosomes in the general population by the Genome Aggregation Database (gnomAD). The available evidence is insufficient to determine the role of this variant in disease conclusively. Therefore, this variant is classified as a Variant of Uncertain Significance.

Ambry Genetics
Classification: Uncertain significance for Cardiovascular phenotype. Last evaluated: 2024-08-31. Review status: criteria provided, single submitter. Criteria: Ambry Variant Classification Scheme 2023. Collection method: clinical testing. Allele origin: germline.
Comment: The p.R1302H variant (also known as c.3905G>A), located in coding exon 23 of the DSP gene, results from a G to A substitution at nucleotide position 3905. The arginine at codon 1302 is replaced by histidine, an amino acid with highly similar properties. This amino acid position is well conserved in available vertebrate species; however, histidine is the reference amino acid in other vertebrate species. In addition, the in silico prediction for this alteration is inconclusive. Since supporting evidence is limited at this time, the clinical significance of this alteration remains unclear.

All of Us Research Program, National Institutes of Health
Classification: Uncertain significance for Arrhythmogenic cardiomyopathy with wooly hair and keratoderma. Last evaluated: 2024-04-10. Review status: criteria provided, single submitter. Criteria: ACMG Guidelines, 2015. Collection method: clinical testing. Allele origin: germline. Inheritance: Autosomal dominant inheritance. Observed: 1 variant allele, 1 heterozygote.
Comment: This study involves interpretation of variants in research participants for the purpose of population health screening. Participant phenotype was not available at the time of variant classification. Additional details can be found in publication PMID: 35346344, PMCID: PMC8962531

Women's Health and Genetics/Laboratory Corporation of America, LabCorp
Classification: Uncertain significance. Last evaluated: 2019-08-26. Review status: criteria provided, single submitter. Criteria: LabCorp Variant Classification Summary - May 2015. Collection method: clinical testing. Allele origin: germline.
Comment: Variant summary: DSP c.3905G>A (p.Arg1302His) results in a non-conservative amino acid change in the encoded protein sequence. Three of five in-silico tools predict a benign effect of the variant on protein function. The variant allele was found at a frequency of 4e-05 in 250814 control chromosomes. This frequency is not significantly higher than expected for a pathogenic variant in DSP causing Arrhythmogenic Right Ventricular Dysplasia/Cardiomyopathy (4e-05 vs 0.0002), allowing no conclusion about variant significance. To our knowledge, no occurrence of c.3905G>A in individuals affected with Arrhythmogenic Right Ventricular Dysplasia/Cardiomyopathy and no experimental evidence demonstrating its impact on protein function have been reported. One clinical diagnostic laboratory has submitted clinical-significance assessments for this variant to ClinVar after 2014 without evidence for independent evaluation and classified the variant as uncertain significance. Based on the evidence outlined above, the variant was classified as uncertain significance.

NM_004415.4(DSP):c.3905G>A (p.Arg1302His)

Gene: DSP (desmoplakin; plus strand). Cytogenetic location: 6p24.3.
Variant type: single nucleotide variant.
Coding change: c.3905G>A on transcript NM_004415.4 (MANE Select); coding-DNA position 3905, G replaced by A.
Protein change: p.Arg1302His; replaces arginine 1302 with histidine.
Molecular consequence: missense variant. On other transcripts: intron variant (1).
Genome position (GRCh38, 1-based): chr6:7,580,095, G>A. VCF-style: chr6-7580095-G-A. GRCh37 (hg19) VCF-style: chr6-7580328-G-A.
Other names: c.3905G>A (LRG_423t1); c.3905G>A, p.Arg1302His (NM_001319034.2); c.3582+323G>A (NM_001008844.3); short protein forms R1302H.
Identifiers: ClinVar variation 518476 (VCV000518476.22), dbSNP rs760691999, ClinGen allele CA039514.